The following is an entry in ClinVar:

ClinVar aggregate classification (germline): Pathogenic (1 of 4 stars; one submission).

Submission:

GeneDx
Classification: Pathogenic. Last evaluated: 2018-07-03. Review status: criteria provided, single submitter. Criteria: GeneDx Variant Classification (06012015). Collection method: clinical testing. Allele origin: germline. Affected: yes.
Comment: The c.311_315delACCGC variant in the FOXC2 gene has not been reported previously as a pathogenic variant nor as a benign variant, to our knowledge. This variant causes a frameshift starting with codon Aspartic Acid 104, changes this amino acid to a Valine residue, and creates a premature Stop codon at position 357 of the new reading frame, denoted p.Asp104ValfsX357. This variant is predicted to cause loss of normal protein function through protein truncation, as the last 398 amino acids of the protein are lost and replaced with 356 incorrect amino acids. The c.311_315delACCGC variant is not observed in large population cohorts (Lek et al., 2016). We interpret c.311_315delACCGC as a pathogenic variant.

NM_005251.3(FOXC2):c.311_315del (p.Asp104fs)

Genes: FOXC2 (forkhead box C2; plus strand), FOXC2-AS1 (FOXC2 antisense RNA 1; minus strand). Cytogenetic location: 16q24.1.
Variant type: Deletion.
Coding change: c.311_315del on transcript NM_005251.3 (MANE Select); coding-DNA positions 311 to 315, 5 bases deleted (ACCGC; older notation c.311_315delACCGC).
Protein change: p.Asp104fs; shifts the reading frame from aspartic acid 104.
Molecular consequence: frameshift variant. On other transcripts: non-coding transcript variant (1).
Genome position (GRCh38, 1-based): chr16:86,567,646-86,567,650, ACCGC deleted. VCF-style (leftmost placement, unchanged base first): chr16-86567645-GACCGC-G. GRCh37 (hg19) VCF-style: chr16-86601251-GACCGC-G.
Other names: short protein forms D104fs.
Identifiers: ClinVar variation 817114 (VCV000817114.1), dbSNP rs1597402505, ClinGen allele CA915949370.
Genomic context (GRCh38, chr16:86,567,645, plus strand): 5'-GCCATCCAGAACGCGCCCGAGAAGAAGATCACCTTGAACGGCATCTACCAGTTCATCATG[GACCGC>G]TTCCCCTTCTACCGGGAGAACAAGCAGGGCTGGCAGAACAGCATCCGCCACAACCTCTCG-3'